The following is an entry in ClinVar:

ClinVar aggregate classification (germline): Pathogenic/Likely pathogenic. Review status: criteria provided, multiple submitters, no conflicts (2 of 4 stars). 9 submissions from 9 submitters: Pathogenic (6); Likely pathogenic (2). 1 of the submissions does not count toward it. Last evaluated 2026-01-08.

Conditions:
FRAS1-related disorder. Also called: FRAS1-related condition.
Congenital anomaly of kidney and urinary tract. Also called: Congenital anomalies of kidney and urinary tract; Congenital anomalies of the kidney and urinary tract. Identifiers: Orphanet 93545, MedGen C1968949, MeSH C566906, MONDO:0019719.
Fraser syndrome 1 (FRASRS1). Also called: CRYPTOPHTHALMOS WITH OTHER MALFORMATIONS. Identifiers: Orphanet 2052, MedGen C4551480, MONDO:0054737, OMIM 219000.

Allele frequency attached by ClinVar (database versions not stated): gnomAD 0.00001; TOPMed 0.00001.
gnomAD v4.1: 53 of 1,613,400 alleles (0.0033%); highest among the groups gnomAD compares: Non-Finnish European, 0.0043%; no homozygotes.

Submissions (9):

Variantyx, Inc.
Classification: Pathogenic for Fraser syndrome 1. Last evaluated: 2026-01-08. Review status: criteria provided, single submitter. Criteria: Variantyx Assertion Criteria 2022. Collection method: clinical testing. Allele origin: germline. Inheritance: Autosomal recessive inheritance. Affected: yes.
Comment: This is a nonsense variant in the FRAS1 gene (OMIM: 607830). Pathogenic variants in this gene have been associated with autosomal recessive Fraser syndrome 1. This variant introduces a premature termination codon in exon 53 out of 74 and is expected to result in loss of function, which is a known disease mechanism for FRAS1 in this disorder (PMID: 12766769, 18671281) (PVS1). The variant was also observed in an individual with Fraser syndrome 1 reported in the published literature, though the second variant was not identified in that report (PMID: 18671281) (PM3). This variant has a 0.0043% maximum allele frequency in non-founder control populations (PM2). Based on the current evidence, this variant is classified as pathogenic for autosomal recessive Fraser syndrome 1.

PreventionGenetics, part of Exact Sciences
Classification: Pathogenic for FRAS1-related condition. Last evaluated: 2025-01-21. Review status: criteria provided, single submitter. Criteria: ACMG Guidelines, 2015. Collection method: clinical testing. Allele origin: germline.
Comment: The FRAS1 c.7551T>A variant is predicted to result in premature protein termination (p.Tyr2517*). This variant has been reported in an individual with Fraser syndrome (van Haelst et al. 2008. PubMed ID: 18671281). This variant is reported in 0.0065% of alleles in individuals of African descent in gnomAD. Nonsense variants in FRAS1 are expected to be pathogenic. This variant is interpreted as pathogenic.

Labcorp Genetics (formerly Invitae), Labcorp
Classification: Pathogenic. Last evaluated: 2024-11-03. Review status: criteria provided, single submitter. Criteria: Invitae Variant Classification Sherloc (09022015). Collection method: clinical testing. Allele origin: germline.
Comment: This sequence change creates a premature translational stop signal (p.Tyr2517*) in the FRAS1 gene. It is expected to result in an absent or disrupted protein product. Loss-of-function variants in FRAS1 are known to be pathogenic (PMID: 12766769, 18671281). This variant is present in population databases (rs745597204, gnomAD 0.007%). This premature translational stop signal has been observed in individual(s) with Fraser syndrome (PMID: 18671281). ClinVar contains an entry for this variant (Variation ID: 235484). For these reasons, this variant has been classified as Pathogenic.

Fulgent Genetics
Classification: Likely pathogenic for Fraser syndrome 1. Last evaluated: 2024-02-20. Review status: criteria provided, single submitter. Criteria: ACMG Guidelines, 2015. Collection method: clinical testing. Allele origin: germline.

Blueprint Genetics
Classification: Likely pathogenic for FRAS1-related disorders. Last evaluated: 2023-03-14. Review status: criteria provided, single submitter. Criteria: ACMG Guidelines, 2015. Collection method: clinical testing. Allele origin: germline. Affected: yes. Observed: 5 variant alleles.

Department of Clinical Genetics, Copenhagen University Hospital, Rigshospitalet
Classification: Pathogenic for Fraser syndrome 1. Last evaluated: 2021-08-01. Review status: criteria provided, single submitter. Criteria: ACMG Guidelines, 2015. Collection method: clinical testing. Allele origin: inherited. Affected: yes.

Eurofins Ntd Llc (ga)
Classification: Pathogenic. Last evaluated: 2015-12-10. Review status: criteria provided, single submitter. Criteria: EGL Classification Definitions 2015. Collection method: clinical testing. Allele origin: germline. Observed: 1 variant allele, 1 heterozygote.

Center for Pediatric Genomic Medicine, Children's Mercy Hospital and Clinics
Classification: Pathogenic. Last evaluated: 2015-01-30. Review status: criteria provided, single submitter. Criteria: ACMG Guidelines, 2015. Collection method: clinical testing. Allele origin: germline.

Sydney Genome Diagnostics, Children's Hospital Westmead
Classification: Pathogenic for Congenital anomaly of kidney and urinary tract. Last evaluated: 2018-11-22. Review status: no assertion criteria provided. Collection method: clinical testing. Allele origin: unknown. Affected: yes. Observed: 1 variant allele, 1 heterozygote. Not counted in ClinVar's aggregate classification.
Comment: This variant creates a premature stop codon p.(Tyr2517*) and may result in a null allele due to nonsense-mediated mRNA decay. This variant has been reported in the gnomAD browser with a very low allele frequency of 0.002% (5 out of 244, 500 alleles). The variant has been previously reported in a patient with Fraser syndrome (Haelst et al Am J Med Genet A. 2008 Sep 1;146A(17):2252-2257) and has also been listed on ClinVar to be pathogenic. This variant is considered to be a pathogenic according to the ACMG guidelines. (Evidence used: PVS1, PM2, PP5).

Literature cited by the submitters: PubMed 12766769 (cited by Variantyx, Inc. and Labcorp Genetics (formerly Invitae), Labcorp); PubMed 18671281 (cited by Variantyx, Inc. and Labcorp Genetics (formerly Invitae), Labcorp).

NM_025074.7(FRAS1):c.7551T>A (p.Tyr2517Ter)

Gene: FRAS1 (Fraser extracellular matrix complex subunit 1; plus strand). Cytogenetic location: 4q21.21.
Variant type: single nucleotide variant.
Coding change: c.7551T>A on transcript NM_025074.7 (MANE Select); coding-DNA position 7551, T replaced by A.
Protein change: p.Tyr2517Ter; replaces tyrosine 2517 with a stop codon.
Molecular consequence: nonsense.
Genome position (GRCh38, 1-based): chr4:78,473,466, T>A. VCF-style: chr4-78473466-T-A. GRCh37 (hg19) VCF-style: chr4-79394620-T-A.
Other names: short protein forms Y2517*.
Identifiers: ClinVar variation 235484 (VCV000235484.23), dbSNP rs745597204, ClinGen allele CA2978147.